The following is an entry in ClinVar:

ClinVar aggregate classification (germline): Uncertain significance (1 of 4 stars; one submission).

Conditions:
Hereditary cancer-predisposing syndrome. Also called: Hereditary neoplastic syndrome; Neoplastic Syndromes, Hereditary; Tumor predisposition; Hereditary Cancer Syndrome. Identifiers: Orphanet 140162, MedGen C0027672, MeSH D009386, MONDO:0015356.

Submission:

Ambry Genetics
Classification: Uncertain significance for Hereditary cancer-predisposing syndrome. Last evaluated: 2025-02-05. Review status: criteria provided, single submitter. Criteria: Ambry Variant Classification Scheme 2023. Collection method: clinical testing. Allele origin: germline.
Comment: The c.1461+5delG intronic variant is located 5 nucleotide(s) after coding exon 12 of the CHEK2 gene. This variant results from a deletion of one nucleotide at position c.1461+5. This nucleotide position is highly conserved in available vertebrate species. In silico splice site analysis predicts that this alteration will weaken the native splice donor site. Based on the available evidence, the clinical significance of this variant remains unclear.

NM_007194.4(CHEK2):c.1461+5del

Gene: CHEK2 (checkpoint kinase 2; minus strand). Cytogenetic location: 22q12.1.
Variant type: Deletion.
Coding change: c.1461+5del on transcript NM_007194.4 (MANE Select); 5 bases into the intron after coding-DNA position 1461, one base deleted (G; older notation c.1461+5delG).
Molecular consequence: intron variant.
Genome position (GRCh38, 1-based): chr22:28,694,027, C deleted on the plus strand (G on the coding strand, the reverse complement: CHEK2 is on the minus strand); the first of 3 consecutive C bases (chr22:28,694,027-28,694,029); deleting any one gives the same sequence. VCF-style (leftmost placement, unchanged base first): chr22-28694026-AC-A. GRCh37 (hg19) VCF-style: chr22-29090014-AC-A.
Other names: c.798+5del (NM_001437942.1, NM_001257387.3); c.1260+5del (NM_001349956.3); c.1374+5del (NM_145862.3); c.1467+5del (NM_001438295.1); c.1554+5del (NM_001438293.1); c.1503+5del (NM_001438294.1); c.1590+5del (NM_001005735.3).
Identifiers: ClinVar variation 3832938 (VCV003832938.1).
Genomic context (GRCh38, chr22:28,694,026, plus strand): 5'-CTCATGTCTCTCAGGCAGCAGGGCTTCCCATGTATTTTATGCTAGCAGGCACTGTCCCAC[AC>A]CCACCTGAAGCCACGGGTGTCTTAAGGCTTCTTCTGTCGTAAAACGTGCCTTTGGATCCA-3'